The following is an entry in ClinVar:

ClinVar aggregate classification (germline): Conflicting classifications of pathogenicity. Review status: criteria provided, conflicting classifications (1 of 4 stars). 18 submissions from 16 submitters: Uncertain significance (1); Benign (3); Likely benign (12). 2 of the submissions do not count toward it. Last evaluated 2026-10-01.

Conditions:
Generalized epilepsy with febrile seizures plus, type 7 (GEFSP7). Also called: GEFS+, TYPE 7. Identifiers: Orphanet 36387, MedGen C2751778, MONDO:0013470, OMIM 613863.
Neuropathy, hereditary sensory and autonomic, type 2A (HSAN2A). Also called: WNK1-Related HSAN2 (HSAN2A); ACROOSTEOLYSIS, GIACCAI TYPE; ACROOSTEOLYSIS, NEUROGENIC; HSAN IIA; MORVAN DISEASE; NEUROPATHY, CONGENITAL SENSORY. Identifiers: Orphanet 970, MedGen C2752089, MONDO:0024309, OMIM 201300.
SCN9A-related disorder. Also called: SCN9A-related disorders; SCN9A-related condition.
Inborn genetic diseases. Identifiers: MedGen C0950123, MeSH D030342.
Small fiber neuropathy (SFNP). Also called: SCN9A Small Fiber Neuropathy (SCN9A-SFN). Identifiers: MedGen C3276706, MONDO:0800207.
Primary erythromelalgia. Also called: primary erythermalgia; SCN9A Erythromelalgia (SCN9A-EM). Identifiers: Orphanet 306577, Orphanet 90026, MedGen C0014805, MONDO:0007571, OMIM 133020.
Channelopathy-associated congenital insensitivity to pain, autosomal recessive. Also called: ASYMBOLIA FOR PAIN; CONGENITAL ANALGESIA, AUTOSOMAL RECESSIVE; Insensitivity to pain, channelopathy-associated. Identifiers: Orphanet 88642, Orphanet 970, MedGen C1855739, MONDO:0009459, OMIM 243000.
Paroxysmal extreme pain disorder (PEXPD). Also called: SCN9A Paroxysmal Extreme Pain Disorder (SCN9A-PEPD); PAIN, SUBMANDIBULAR, OCULAR, AND RECTAL, WITH FLUSHING; RECTAL PAIN, FAMILIAL. Identifiers: Orphanet 46348, MedGen C1833661, MONDO:0008179, OMIM 167400.

Allele frequency attached by ClinVar (database versions not stated): 1000 Genomes Project 0.00100; 1000 Genomes Project 30x 0.00109; ESP Exome Variant Server 0.00304; gnomAD exomes 0.00358 and 0.00245; gnomAD 0.00278 and 0.00270; TOPMed 0.00237; ExAC 0.00390.
gnomAD v4.1: 5,496 of 1,589,074 alleles (0.35%); highest among the groups gnomAD compares: Non-Finnish European, 0.41%; 11 homozygotes.

Submissions (18):

CeGaT Center for Human Genetics Tuebingen
Classification: Likely benign. Last evaluated: 2026-10-01. Review status: criteria provided, single submitter. Criteria: CeGaT Center For Human Genetics Tuebingen Variant Classification Criteria Version 2. Collection method: clinical testing. Allele origin: germline. Affected: yes. Observed: 18 variant alleles.
Comment: SCN9A: BS2

Labcorp Genetics (formerly Invitae), Labcorp
Classification: Benign for Neuropathy, hereditary sensory and autonomic, type 2A; Generalized epilepsy with febrile seizures plus, type 7. Last evaluated: 2026-02-02. Review status: criteria provided, single submitter. Criteria: Invitae Variant Classification Sherloc (09022015). Collection method: clinical testing. Allele origin: germline.

Laboratory of Genetics, Children's Clinical University Hospital Latvia
Classification: Benign. Last evaluated: 2025-02-16. Review status: criteria provided, single submitter. Criteria: ACMG Guidelines, 2015. Collection method: clinical testing. Allele origin: germline. Affected: yes.

Blueprint Genetics
Classification: Likely benign. Last evaluated: 2024-11-26. Review status: criteria provided, single submitter. Criteria: ACMG Guidelines, 2015. Collection method: clinical testing. Allele origin: germline.

Mayo Clinic Laboratories, Mayo Clinic
Classification: Likely benign. Last evaluated: 2024-03-27. Review status: criteria provided, single submitter. Criteria: ACMG Guidelines, 2015. Collection method: clinical testing. Allele origin: germline. Observed: 11 variant alleles.

Mendelics
Classification: Benign for Neuropathy, hereditary sensory and autonomic, type 2A. Last evaluated: 2023-08-22. Review status: criteria provided, single submitter. Criteria: Mendelics Assertion Criteria 2019. Collection method: clinical testing. Allele origin: germline.

GeneDx
Classification: Likely benign. Last evaluated: 2021-05-12. Review status: criteria provided, single submitter. Criteria: GeneDx Variant Classification Process June 2021. Collection method: clinical testing. Allele origin: germline. Affected: yes.
Comment: This variant is associated with the following publications: (PMID: 19763161, 24820863, 24737233, 32707200, 22539570, 27301361, 28073787, 28235406, 23891399, 29176367, 27608006, 27916648, 28488083, 30478917, 31664448, 22826602, 21698661)

Athena Diagnostics
Classification: Likely benign. Last evaluated: 2020-06-09. Review status: criteria provided, single submitter. Criteria: Athena Diagnostics Criteria. Collection method: clinical testing. Allele origin: unknown.

Ambry Genetics
Classification: Likely benign for Inborn genetic diseases. Last evaluated: 2019-09-03. Review status: criteria provided, single submitter. Criteria: Ambry Variant Classification Scheme 2023. Collection method: clinical testing. Allele origin: germline.

Eurofins Ntd Llc (ga)
Classification: Likely benign. Last evaluated: 2017-07-20. Review status: criteria provided, single submitter. Criteria: EGL Classification Definitions 2015. Collection method: clinical testing. Allele origin: germline. Observed: 4 variant alleles, 4 heterozygotes.

Illumina Laboratory Services, Illumina
Classification: Likely benign for Paroxysmal extreme pain disorder. Last evaluated: 2017-04-27. Review status: criteria provided, single submitter. Criteria: ICSL Variant Classification Criteria 13 December 2019. Collection method: clinical testing. Allele origin: germline.
Comment: This variant was observed as part of a predisposition screen in an ostensibly healthy population. A literature search was performed for the gene, cDNA change, and amino acid change (where applicable). No publications were found based on this search. Allele frequency data from public databases allowed determination this variant is unlikely to cause disease. Therefore, this variant is classified as likely benign.

Illumina Laboratory Services, Illumina
Classification: Likely benign for Channelopathy-associated congenital insensitivity to pain, autosomal recessive. Last evaluated: 2017-04-27. Review status: criteria provided, single submitter. Criteria: ICSL Variant Classification Criteria 13 December 2019. Collection method: clinical testing. Allele origin: germline.
Comment: the same text as in the submission from Illumina Laboratory Services, Illumina above.

Illumina Laboratory Services, Illumina
Classification: Likely benign for Primary erythromelalgia. Last evaluated: 2017-04-27. Review status: criteria provided, single submitter. Criteria: ICSL Variant Classification Criteria 13 December 2019. Collection method: clinical testing. Allele origin: germline.
Comment: This variant was observed as part of a predisposition screen in an ostensibly healthy population. A literature search was performed for the gene, cDNA change, and amino acid change (where applicable). Publications were found based on this search. The evidence from the literature, in combination with allele frequency data from public databases where available, was sufficient to determine this variant is unlikely to cause disease. Therefore, this variant is classified as likely benign.

Genetic Services Laboratory, University of Chicago
Classification: Likely benign. Last evaluated: 2017-04-05. Review status: criteria provided, single submitter. Criteria: ACMG Guidelines, 2015. Collection method: clinical testing. Allele origin: germline. Affected: no.

Center for Pediatric Genomic Medicine, Children's Mercy Hospital and Clinics
Classification: Uncertain significance. Last evaluated: 2017-03-28. Review status: criteria provided, single submitter. Criteria: ACMG Guidelines, 2015. Collection method: clinical testing. Allele origin: germline.

Genomic Diagnostic Laboratory, Division of Genomic Diagnostics, Children's Hospital of Philadelphia
Classification: Likely benign. Last evaluated: 2015-08-19. Review status: criteria provided, single submitter. Criteria: DGD Variant Analysis Guidelines. Collection method: clinical testing. Allele origin: unknown.

PreventionGenetics, part of Exact Sciences
Classification: Likely benign for SCN9A-related condition. Last evaluated: 2020-10-27. Review status: no assertion criteria provided. Collection method: clinical testing. Allele origin: germline. Not counted in ClinVar's aggregate classification.
Comment: This variant is classified as likely benign based on ACMG/AMP sequence variant interpretation guidelines (Richards et al. 2015 PMID: 25741868, with internal and published modifications).

OMIM
Classification: Pathogenic for NEUROPATHY, SMALL FIBER. Last evaluated: 2014-09-01. Review status: no assertion criteria provided. Collection method: literature only. Allele origin: germline. Not counted in ClinVar's aggregate classification.

Literature cited by the submitters: PubMed 19763161 (cited by 3 submitters); PubMed 21698661 (cited by 4 submitters); PubMed 22539570 (cited by 3 submitters); PubMed 22826602 (cited by 5 submitters); PubMed 24820863 (cited by 4 submitters); PubMed 28073787 (cited by Mayo Clinic Laboratories, Mayo Clinic and OMIM); PubMed 28235406 (cited by Mayo Clinic Laboratories, Mayo Clinic); PubMed 29264398 (cited by Mayo Clinic Laboratories, Mayo Clinic); PubMed 31193310 (cited by Mayo Clinic Laboratories, Mayo Clinic and Athena Diagnostics); PubMed 32011655 (cited by Mayo Clinic Laboratories, Mayo Clinic); PubMed 32897040 (cited by Mayo Clinic Laboratories, Mayo Clinic); PubMed 35157443 (cited by Mayo Clinic Laboratories, Mayo Clinic); PubMed 36448457 (cited by Mayo Clinic Laboratories, Mayo Clinic); PubMed 36730021 (cited by Mayo Clinic Laboratories, Mayo Clinic); PubMed 36895957 (cited by Mayo Clinic Laboratories, Mayo Clinic); PubMed 37175987 (cited by Mayo Clinic Laboratories, Mayo Clinic); PubMed 29176367 (cited by Athena Diagnostics); PubMed 30478917 (cited by Athena Diagnostics); PubMed 27301361 (cited by Athena Diagnostics); PubMed 29961513 (cited by Athena Diagnostics); PubMed 27608006 (cited by Athena Diagnostics).

NM_001365536.1(SCN9A):c.2248A>G (p.Ile750Val)

Genes: SCN1A-AS1 (SCN1A and SCN9A antisense RNA 1; plus strand), SCN9A (sodium voltage-gated channel alpha subunit 9; minus strand). Cytogenetic location: 2q24.3.
Variant type: single nucleotide variant.
Coding change: c.2248A>G on transcript NM_001365536.1 (MANE Select); coding-DNA position 2248, A replaced by G.
Protein change: p.Ile750Val; replaces isoleucine 750 with valine.
Molecular consequence: missense variant.
Genome position (GRCh38, 1-based): chr2:166,280,452, T>C on the plus strand (A>G on the coding strand, the complement: SCN9A is on the minus strand). VCF-style: chr2-166280452-T-C. GRCh37 (hg19) VCF-style: chr2-167136962-T-C.
Other names: I739V; c.2215A>G, p.Ile739Val (NM_002977.4); short protein forms I750V.
Identifiers: ClinVar variation 157597 (VCV000157597.77), dbSNP rs182650126, ClinGen allele CA171007.